The following is an entry in ClinVar:

NM_201596.3(CACNB2):c.1841G>A (p.Arg614Gln)

Gene: CACNB2 (calcium voltage-gated channel auxiliary subunit beta 2; plus strand). Cytogenetic location: 10p12.31.
Variant type: single nucleotide variant.
Coding change: c.1841G>A on transcript NM_201596.3 (MANE Select); coding-DNA position 1841, G replaced by A.
Protein change: p.Arg614Gln; replaces arginine 614 with glutamine.
Molecular consequence: missense variant.
Genome position (GRCh38, 1-based): chr10:18,539,582, G>A. VCF-style: chr10-18539582-G-A. GRCh37 (hg19) VCF-style: chr10-18828511-G-A.
Other names: p.R559Q:CGA>CAA; c.1676G>A, p.Arg559Gln (NM_000724.4); c.1643G>A, p.Arg548Gln (NM_001167945.2); c.1562G>A, p.Arg521Gln (NM_001330060.2); c.1697G>A, p.Arg566Gln (NM_201570.3); c.1757G>A, p.Arg586Gln (NM_201571.4); c.1685G>A, p.Arg562Gln (NM_201572.4); c.1679G>A, p.Arg560Gln (NM_201590.3); and 2 more; short protein forms R559Q, R560Q, R614Q, R562Q, R576Q, R590Q, R521Q, R548Q.
Identifiers: ClinVar variation 190737 (VCV000190737.11), dbSNP rs367619172, ClinGen allele CA301883.

ClinVar aggregate classification (germline): Uncertain significance. Review status: criteria provided, multiple submitters, no conflicts (2 of 4 stars). 5 submissions from 5 submitters: Uncertain significance (4). 1 of the submissions does not count toward it. Last evaluated 2026-06-10.

Conditions:
CACNB2-related disorder. Also called: CACNB2-related condition.
Short QT Syndrome 5.
Cardiovascular phenotype. Identifiers: MedGen CN230736.
Brugada syndrome 4 (BRGDA4). Identifiers: Orphanet 130, MedGen C2678477, MONDO:0012743, OMIM 611876.

Allele frequency attached by ClinVar (database versions not stated): gnomAD exomes 0.00002; TOPMed 0.00002; ExAC 0.00003; gnomAD 0.00003; ESP Exome Variant Server 0.00015.
gnomAD v4.1: 111 of 1,613,642 alleles (0.0069%); highest among the groups gnomAD compares: Non-Finnish European, 0.0086%; 1 homozygote.

Submissions (5):

PreventionGenetics, part of Exact Sciences
Classification: Uncertain significance for CACNB2-related condition. Last evaluated: 2026-06-10. Review status: criteria provided, single submitter. Criteria: ACMG Guidelines, 2015. Collection method: clinical testing. Allele origin: germline.
Comment: The CACNB2 c.1679G>A variant is predicted to result in the amino acid substitution p.Arg560Gln. This variant (also known as c.1841G>A, p.Arg614Gln in NM_201596.2) has been reported in an individual with Atrioventricular nodal reentry tachycardia (Table S2, Luo et al. 2020. PubMed ID: 32508047). This variant is reported in 0.0047% of alleles in individuals of European (Non-Finnish) descent in gnomAD. At this time, the clinical significance of this variant is uncertain due to the absence of conclusive functional and genetic evidence.

Ambry Genetics
Classification: Uncertain significance for Cardiovascular phenotype. Last evaluated: 2025-11-22. Review status: criteria provided, single submitter. Criteria: Ambry Variant Classification Scheme 2023. Collection method: clinical testing. Allele origin: germline.
Comment: The p.R560Q variant (also known as c.1679G>A), located in coding exon 13 of the CACNB2 gene, results from a G to A substitution at nucleotide position 1679. The arginine at codon 560 is replaced by glutamine, an amino acid with highly similar properties. This amino acid position is well conserved in available vertebrate species. In addition, the in silico prediction for this alteration is inconclusive. Since supporting evidence is limited at this time, the clinical significance of this alteration remains unclear.

Labcorp Genetics (formerly Invitae), Labcorp
Classification: Uncertain significance for Brugada syndrome 4. Last evaluated: 2022-08-22. Review status: criteria provided, single submitter. Criteria: Invitae Variant Classification Sherloc (09022015). Collection method: clinical testing. Allele origin: germline.
Comment: This sequence change replaces arginine, which is basic and polar, with glutamine, which is neutral and polar, at codon 560 of the CACNB2 protein (p.Arg560Gln). This variant is present in population databases (rs367619172, gnomAD 0.006%). This variant has not been reported in the literature in individuals affected with CACNB2-related conditions. ClinVar contains an entry for this variant (Variation ID: 190737). Algorithms developed to predict the effect of missense changes on protein structure and function are either unavailable or do not agree on the potential impact of this missense change (SIFT: "Tolerated"; PolyPhen-2: "Possibly Damaging"; Align-GVGD: "Class C0"). In summary, the available evidence is currently insufficient to determine the role of this variant in disease. Therefore, it has been classified as a Variant of Uncertain Significance.

GeneDx
Classification: Uncertain significance. Last evaluated: 2014-11-18. Review status: criteria provided, single submitter. Criteria: GeneDx Variant Classification (06012015). Collection method: clinical testing. Allele origin: germline. Affected: yes.
Comment: p.Arg559Gln (CGA>CAA): c.1676 G>A in exon 13 of the CACNB2 gene (NM_000724.3). A variant of unknown significance has been identified in the CACNB2 gene. The R559Q variant has not been published as a mutation or as a benign polymorphism to our knowledge. The R559Q variant was not observed with any significant frequency in approximately 6,500 individuals of European and African American ancestry in the NHLBI Exome Sequencing Project. This substitution occurs at a position that is highly conserved across species. The R559Q variant is a semi-conservative amino acid substitution, which may impact secondary protein structure as these residues differ in some properties. In silico analysis is inconsistent in its predictions as to whether or not the variant is damaging to the protein structure/function. Furthermore, no missense mutations in nearby residues have been reported in association with Brugada syndrome indicating this region of the protein may be tolerant of change. Therefore, based on the currently available information, it is unclear whether this variant is a pathogenic mutation or a rare benign variant.The variant is found in ARRHYTHMIA panel(s).

Knight Diagnostic Laboratories, Oregon Health and Sciences University
Classification: Uncertain significance for Short QT Syndrome 5. Last evaluated: 2016-01-27. Review status: no assertion criteria provided. Criteria: ACMG Guidelines, 2015. Collection method: clinical testing. Allele origin: germline. Affected: no. Study: CSER-NextGen. Not counted in ClinVar's aggregate classification.